The following is an entry in ClinVar:

ClinVar aggregate classification (germline): Uncertain significance (1 of 4 stars; one submission).

Conditions:
Left ventricular noncompaction. Identifiers: Orphanet 54260, MedGen C1960469, MONDO:0018901, HP:0030682.

Submission:

Helix
Classification: Uncertain significance for Left ventricular noncompaction. Last evaluated: 2026-03-09. Review status: criteria provided, single submitter. Criteria: ACMG Guidelines, 2015. Collection method: clinical testing. Allele origin: germline. Inheritance: Autosomal dominant inheritance.
Comment: This variant (NM_014482.3:c.980C>G p.Pro327Arg) results in the substitution of proline with arginine at codon 327 in the BMP10 protein. It is a rare variant that is absent from the large gnomAD population database (v4.1). To our knowledge, this variant has not been reported in individuals with BMP10-related conditions in the published literature. In silico prediction from REVEL (PMID: 27666373) is indeterminate. In conclusion, since the available evidence is limited, the clinical significance of this variant is unclear at this time. Therefore, it is classified as a Variant of Uncertain Significance.

NM_014482.3(BMP10):c.980C>G (p.Pro327Arg)

Gene: BMP10 (bone morphogenetic protein 10; minus strand). Cytogenetic location: 2p13.3.
Variant type: single nucleotide variant.
Coding change: c.980C>G on transcript NM_014482.3 (MANE Select); coding-DNA position 980, C replaced by G.
Protein change: p.Pro327Arg; replaces proline 327 with arginine.
Molecular consequence: missense variant.
Genome position (GRCh38, 1-based): chr2:68,865,926, G>C on the plus strand (C>G on the coding strand, the complement: BMP10 is on the minus strand). VCF-style: chr2-68865926-G-C. GRCh37 (hg19) VCF-style: chr2-69093058-G-C.
Other names: short protein forms P327R.
Identifiers: ClinVar variation 4890797 (VCV004890797.1).